The following is an entry in ClinVar:

ClinVar aggregate classification (germline): Uncertain significance (1 of 4 stars; one submission).

Allele frequency attached by ClinVar (database versions not stated): gnomAD 0.00001.
gnomAD v4.1: 1 of 1,614,136 alleles (0.000062%); highest among the groups gnomAD compares: African/African-American, 0.0013%; no homozygotes.

Submission:

GeneDx
Classification: Uncertain significance. Last evaluated: 2022-01-26. Review status: criteria provided, single submitter. Criteria: GeneDx Variant Classification Process June 2021. Collection method: clinical testing. Allele origin: germline. Affected: yes.
Comment: Not observed at significant frequency in large population cohorts (gnomAD); In silico analysis supports that this missense variant has a deleterious effect on protein structure/function; Has not been previously published as pathogenic or benign to our knowledge

NM_002335.4(LRP5):c.1571C>G (p.Thr524Arg)

Gene: LRP5 (LDL receptor related protein 5; plus strand). Cytogenetic location: 11q13.2.
Variant type: single nucleotide variant.
Coding change: c.1571C>G on transcript NM_002335.4 (MANE Select); coding-DNA position 1571, C replaced by G.
Protein change: p.Thr524Arg; replaces threonine 524 with arginine.
Molecular consequence: missense variant. On other transcripts: intron variant (1).
Genome position (GRCh38, 1-based): chr11:68,390,039, C>G. VCF-style: chr11-68390039-C-G. GRCh37 (hg19) VCF-style: chr11-68157507-C-G.
Other names: c.-354+3327C>G (NM_001291902.2); short protein forms T524R.
Identifiers: ClinVar variation 1702821 (VCV001702821.2), dbSNP rs2098645456, ClinGen allele CA381613525.
Genomic context (GRCh38, chr11:68,390,039, plus strand): 5'-GGCCCAACGGCCTGGCCCTGGACCTGCAGGAGGGGAAGCTCTACTGGGGAGACGCCAAGA[C>G]AGACAAGATCGAGGTGAGGCTCCTGTGGACATGTTTGATCCAGGAGGCCAGGCCCAGCCA-3'
Protein context (NP_002326.2, residues 514-534): EGKLYWGDAK[Thr524Arg]DKIEVINVDG